The following is an entry in ClinVar:

ClinVar aggregate classification (germline): Likely pathogenic (1 of 4 stars; one submission).

Submission:

Labcorp Genetics (formerly Invitae), Labcorp
Classification: Likely pathogenic. Last evaluated: 2020-02-11. Review status: criteria provided, single submitter. Criteria: Invitae Variant Classification Sherloc (09022015). Collection method: clinical testing. Allele origin: germline.
Comment: This sequence change affects the initiator methionine of the EIF2B5 mRNA. The next in-frame methionine is located at codon 181. This variant is not present in population databases (ExAC no frequency). This variant has not been reported in the literature in individuals with EIF2B5-related conditions. This variant disrupts the p.Glu81 amino acid residue in EIF2B5. Other variant(s) that disrupt this residue have been determined to be pathogenic (PMID: 15136673, 27665184, 15054402, 18263758). This suggests that this residue is clinically significant, and that variants that disrupt this residue are likely to be disease-causing. In summary, the currently available evidence indicates that the variant is pathogenic, but additional data are needed to prove that conclusively. Therefore, this variant has been classified as Likely Pathogenic.

Literature cited by the submitters: PubMed 15136673; PubMed 27665184; PubMed 15054402; PubMed 18263758.

NM_003907.3(EIF2B5):c.3G>C (p.Met1Ile)

Gene: EIF2B5 (eukaryotic translation initiation factor 2B subunit epsilon; plus strand). Cytogenetic location: 3q27.1.
Variant type: single nucleotide variant.
Coding change: c.3G>C on transcript NM_003907.3 (MANE Select); coding-DNA position 3, G replaced by C.
Protein change: p.Met1Ile; changes the start codon (methionine 1).
Molecular consequence: missense variant, initiator codon variant.
Genome position (GRCh38, 1-based): chr3:184,135,388, G>C. VCF-style: chr3-184135388-G-C. GRCh37 (hg19) VCF-style: chr3-183853176-G-C.
Other names: short protein forms M1I.
Identifiers: ClinVar variation 1067397 (VCV001067397.9), dbSNP rs2109005483, ClinGen allele CA355380932.